The following is an entry in ClinVar:

ClinVar aggregate classification (germline): Uncertain significance (1 of 4 stars; one submission).

Submission:

GeneDx
Classification: Uncertain significance. Last evaluated: 2016-07-11. Review status: criteria provided, single submitter. Criteria: GeneDx Variant Classification (06012015). Collection method: clinical testing. Allele origin: germline. Affected: yes.
Comment: A novel variant of uncertain significance has been identified in the CBS gene. The A38T variant has not been published as a pathogenic variant, nor has it been reported as a benign variant to our knowledge. The A38T variant was not observed in approximately 6500 individuals of European and African American ancestry in the NHLBI Exome Sequencing Project, indicating it is not a common benign variant in these populations. The A38T variant is a non-conservative amino acid substitution, which is likely to impact secondary protein structure as these residues differ in polarity, charge, size and/or other properties. However, this substitution occurs at a position that is not conserved across species and in silico analysis is inconsistent in its predictions as to whether or not the variant is damaging to the protein structure/function.Therefore, based on the currently available information, it is unclear whether this variant is pathogenic or rare benign.

NM_000071.3(CBS):c.112G>A (p.Ala38Thr)

Gene: CBS (cystathionine beta-synthase; minus strand). Cytogenetic location: 21q22.3.
Variant type: single nucleotide variant.
Coding change: c.112G>A on transcript NM_000071.3 (MANE Select); coding-DNA position 112, G replaced by A.
Protein change: p.Ala38Thr; replaces alanine 38 with threonine.
Molecular consequence: missense variant.
Genome position (GRCh38, 1-based): chr21:43,072,082, C>T on the plus strand (G>A on the coding strand, the complement: CBS is on the minus strand). VCF-style: chr21-43072082-C-T. GRCh37 (hg19) VCF-style: chr21-44492192-C-T.
Other names: c.112G>A, p.Ala38Thr (NM_001178008.3, NM_001178009.3, NM_001320298.2); short protein forms A38T.
Identifiers: ClinVar variation 421617 (VCV000421617.2), dbSNP rs1064795253, ClinGen allele CA16621018.